The following is an entry in ClinVar:

NM_020655.4(JPH3):c.2198T>A (p.Ile733Asn)

Gene: JPH3 (junctophilin 3; plus strand). Cytogenetic location: 16q24.2.
Variant type: single nucleotide variant.
Coding change: c.2198T>A on transcript NM_020655.4 (MANE Select); coding-DNA position 2198, T replaced by A.
Protein change: p.Ile733Asn; replaces isoleucine 733 with asparagine.
Molecular consequence: missense variant. On other transcripts: non-coding transcript variant (1).
Genome position (GRCh38, 1-based): chr16:87,696,611, T>A. VCF-style: chr16-87696611-T-A. GRCh37 (hg19) VCF-style: chr16-87730217-T-A.
Other names: short protein forms I733N.
Identifiers: ClinVar variation 1809987 (VCV001809987.1), dbSNP rs1373967675, ClinGen allele CA397033064.

ClinVar aggregate classification (germline): Uncertain significance (1 of 4 stars; one submission).

Submission:

GeneDx
Classification: Uncertain significance. Last evaluated: 2022-07-01. Review status: criteria provided, single submitter. Criteria: GeneDx Variant Classification Process June 2021. Collection method: clinical testing. Allele origin: germline. Affected: yes.
Comment: Not observed at significant frequency in large population cohorts (gnomAD); In silico analysis supports that this missense variant has a deleterious effect on protein structure/function; Has not been previously published as pathogenic or benign to our knowledge